The following is an entry in ClinVar:

NM_001267550.2(TTN):c.46514_46517dup (p.Asp15506fs)

Genes: TTN-AS1 (TTN antisense RNA 1; plus strand), TTN (titin; minus strand). Cytogenetic location: 2q31.2.
Variant type: Duplication.
Coding change: c.46514_46517dup on transcript NM_001267550.2 (MANE Select); coding-DNA positions 46514 to 46517, 4 bases duplicated (AAGA; older notation c.46514_46517dupAAGA).
Protein change: p.Asp15506fs; shifts the reading frame from aspartic acid 15506.
Molecular consequence: frameshift variant. On other transcripts: non-coding transcript variant (1).
Genome position (GRCh38, 1-based): chr2:178,619,800-178,619,803, TCTT duplicated on the plus strand (AAGA on the coding strand, the reverse complement: TTN is on the minus strand); duplicating any 4 consecutive bases within chr2:178,619,800-178,619,804 gives the same sequence; the c. name uses the placement nearest the transcript's 3' end. VCF-style (leftmost placement, unchanged base first): chr2-178619799-A-ATCTT. GRCh37 (hg19) VCF-style: chr2-179484526-A-ATCTT.
Other names: c.19319_19322dupAAGA (NM_003319.4); c.41591_41594dup, p.Asp13865fs (NM_001256850.1); c.19319_19322dup, p.Asp6441fs (NM_003319.4); c.38810_38813dup, p.Asp12938fs (NM_133378.4); c.19694_19697dup, p.Asp6566fs (NM_133432.3); c.19895_19898dup, p.Asp6633fs (NM_133437.4); short protein forms D13865fs, D6441fs, D6566fs, D6633fs, D12938fs, D15506fs.
Identifiers: ClinVar variation 2948576 (VCV002948576.4), dbSNP rs2470974058, ClinGen allele CA2740096136.

ClinVar aggregate classification (germline): Likely pathogenic. Review status: criteria provided, multiple submitters, no conflicts (2 of 4 stars). 2 submissions from 2 submitters: Likely pathogenic (2). Last evaluated 2024-10-10.

Conditions:
Cardiovascular phenotype. Identifiers: MedGen CN230736.
Dilated cardiomyopathy 1G (CMD1G). Identifiers: Orphanet 154, MedGen C1858763, MONDO:0011400, OMIM 604145.
Autosomal recessive limb-girdle muscular dystrophy type 2J (LGMDR10). Also called: Limb-girdle muscular dystrophy, type 2J; MUSCULAR DYSTROPHY, LIMB-GIRDLE, AUTOSOMAL RECESSIVE 10. Identifiers: Orphanet 140922, MedGen C1837342, MONDO:0012127, OMIM 608807.

Submissions (2):

Ambry Genetics
Classification: Likely pathogenic for Cardiovascular phenotype. Last evaluated: 2024-10-10. Review status: criteria provided, single submitter. Criteria: Ambry Variant Classification Scheme 2023. Collection method: clinical testing. Allele origin: germline.
Comment: The c.19319_19322dupAAGA variant, located in coding exon 77 of the TTN gene, results from a duplication of AAGA at nucleotide position 19319, causing a translational frameshift with a predicted alternate stop codon (p.D6441Efs*3). This exon is located in the I-band region of the N2-B isoform of the titin protein and is constitutively expressed in TTN transcripts (percent spliced in or PSI 100%). This variant is considered to be rare based on population cohorts in the Genome Aggregation Database (gnomAD). This alteration is expected to result in loss of function by premature protein truncation or nonsense-mediated mRNA decay. While truncating variants in TTN are present in 1-3% of the general population, truncating variants in the A-band are the most common cause of dilated cardiomyopathy (DCM) (Herman DS et al. N. Engl. J. Med., 2012 Feb;366:619-28; Roberts AM et al. Sci Transl Med, 2015 Jan;7:270ra6). TTN truncating variants encoded in constitutive exons (PSI >90%) have been found to be significantly associated with DCM regardless of their position in titin (Schafer S et al. Nat. Genet., 2017 01;49:46-53). Based on the majority of available evidence to date, this variant is likely to be pathogenic.

Labcorp Genetics (formerly Invitae), Labcorp
Classification: Likely pathogenic for Dilated cardiomyopathy 1G; Autosomal recessive limb-girdle muscular dystrophy type 2J. Last evaluated: 2024-08-30. Review status: criteria provided, single submitter. Criteria: Invitae Variant Classification Sherloc (09022015). Collection method: clinical testing. Allele origin: germline.
Comment: This sequence change creates a premature translational stop signal (p.Asp15506Glufs*3) in the TTN gene. While this is not anticipated to result in nonsense mediated decay, it is expected to create a truncated TTN protein. This variant is not present in population databases (gnomAD no frequency). This variant has not been reported in the literature in individuals affected with TTN-related conditions. This variant is located in the I band of TTN (PMID: 25589632). Truncating variants in this region have been reported in individuals affected with autosomal recessive centronuclear myopathy (PMID: 23975875, internal data). Truncating variants in this region have also been identified in individuals affected with autosomal dominant dilated cardiomyopathy and/or cardio-related conditions (PMID: 27869827, 32964742, internal data). In summary, the currently available evidence indicates that the variant is pathogenic, but additional data are needed to prove that conclusively. Therefore, this variant has been classified as Likely Pathogenic.

Literature cited by the submitters: PubMed 25589632 (cited by Labcorp Genetics (formerly Invitae), Labcorp); PubMed 23975875 (cited by Labcorp Genetics (formerly Invitae), Labcorp); PubMed 27869827 (cited by Labcorp Genetics (formerly Invitae), Labcorp); PubMed 32964742 (cited by Labcorp Genetics (formerly Invitae), Labcorp).